The following is an entry in ClinVar:

ClinVar aggregate classification (germline): Uncertain significance (1 of 4 stars; one submission).

Submission:

Labcorp Genetics (formerly Invitae), Labcorp
Classification: Uncertain significance. Last evaluated: 2021-12-15. Review status: criteria provided, single submitter. Criteria: Invitae Variant Classification Sherloc (09022015). Collection method: clinical testing. Allele origin: germline.
Comment: In summary, the available evidence is currently insufficient to determine the role of this variant in disease. Therefore, it has been classified as a Variant of Uncertain Significance. Variants that disrupt the consensus splice site are a relatively common cause of aberrant splicing (PMID: 17576681, 9536098). Algorithms developed to predict the effect of sequence changes on RNA splicing suggest that this variant may disrupt the consensus splice site. This variant has not been reported in the literature in individuals affected with SPINT2-related conditions. This variant is not present in population databases (gnomAD no frequency). This sequence change falls in intron 5 of the SPINT2 gene. It does not directly change the encoded amino acid sequence of the SPINT2 protein. It affects a nucleotide within the consensus splice site.

Literature cited by the submitters: PubMed 17576681; PubMed 9536098.

NM_021102.4(SPINT2):c.553+3A>C

Gene: SPINT2 (serine peptidase inhibitor, Kunitz type 2; plus strand). Cytogenetic location: 19q13.2.
Variant type: single nucleotide variant.
Coding change: c.553+3A>C on transcript NM_021102.4 (MANE Select); 3 bases into the intron after coding-DNA position 553, A replaced by C.
Molecular consequence: intron variant.
Genome position (GRCh38, 1-based): chr19:38,290,283, A>C. VCF-style: chr19-38290283-A-C. GRCh37 (hg19) VCF-style: chr19-38780923-A-C.
Other names: c.382+3A>C (NM_001166103.2).
Identifiers: ClinVar variation 1349974 (VCV001349974.6), dbSNP rs879204046, ClinGen allele CA308082295.